The following is an entry in ClinVar:

ClinVar aggregate classification (germline): Uncertain significance (1 of 4 stars; one submission).

Conditions:
Immunodeficiency. Identifiers: MedGen C0021051, MONDO:0021094, HP:0002721.

gnomAD v4.1: 1 of 1,613,092 alleles (0.000062%); highest among the groups gnomAD compares: South Asian, 0.0011%; no homozygotes.

Submission:

Labcorp Genetics (formerly Invitae), Labcorp
Classification: Uncertain significance for Immunodeficiency. Last evaluated: 2022-07-05. Review status: criteria provided, single submitter. Criteria: Invitae Variant Classification Sherloc (09022015). Collection method: clinical testing. Allele origin: germline.
Comment: This sequence change replaces threonine, which is neutral and polar, with isoleucine, which is neutral and non-polar, at codon 15 of the NFAT5 protein (p.Thr15Ile). This variant is not present in population databases (gnomAD no frequency). In summary, the available evidence is currently insufficient to determine the role of this variant in disease. Therefore, it has been classified as a Variant of Uncertain Significance. Algorithms developed to predict the effect of missense changes on protein structure and function are either unavailable or do not agree on the potential impact of this missense change (SIFT: "Deleterious"; PolyPhen-2: "Probably Damaging"; Align-GVGD: "Class C0"). ClinVar contains an entry for this variant (Variation ID: 1469216). This variant has not been reported in the literature in individuals affected with NFAT5-related conditions.

NM_138713.4(NFAT5):c.326C>T (p.Thr109Ile)

Gene: NFAT5 (nuclear factor of activated T cells 5; plus strand). Cytogenetic location: 16q22.1.
Variant type: single nucleotide variant.
Coding change: c.326C>T on transcript NM_138713.4 (MANE Select); coding-DNA position 326, C replaced by T.
Protein change: p.Thr109Ile; replaces threonine 109 with isoleucine.
Molecular consequence: missense variant.
Genome position (GRCh38, 1-based): chr16:69,647,100, C>T. VCF-style: chr16-69647100-C-T. GRCh37 (hg19) VCF-style: chr16-69681003-C-T.
Other names: c.326C>T, p.Thr109Ile (NM_001113178.3); c.73C>T, p.Pro25Ser (NM_001367709.1); c.272C>T, p.Thr91Ile (NM_006599.4); c.44C>T, p.Thr15Ile (NM_138714.4, NM_173214.3, NM_173215.3); short protein forms T91I, T109I, T15I, P25S.
Identifiers: ClinVar variation 1469216 (VCV001469216.8), dbSNP rs2151621305, ClinGen allele CA396483336.